The following is an entry in ClinVar:

NM_000277.3(PAH):c.910C>A (p.Gln304Lys)

Genes: PAH (phenylalanine hydroxylase; minus strand), LOC126861615 (CDK7 strongly-dependent group 2 enhancer GRCh37_chr12:103244689-103245888; plus strand). Cytogenetic location: 12q23.2.
Variant type: single nucleotide variant.
Coding change: c.910C>A on transcript NM_000277.3 (MANE Select); coding-DNA position 910, C replaced by A.
Protein change: p.Gln304Lys; replaces glutamine 304 with lysine.
Molecular consequence: missense variant.
Genome position (GRCh38, 1-based): chr12:102,851,689, G>T on the plus strand (C>A on the coding strand, the complement: PAH is on the minus strand). VCF-style: chr12-102851689-G-T. GRCh37 (hg19) VCF-style: chr12-103245467-G-T.
Other names: c.910C>A, p.Gln304Lys (NM_001354304.2); short protein forms Q304K.
Identifiers: ClinVar variation 1185009 (VCV001185009.2), dbSNP rs1555204295, ClinGen allele CA16020891.
Genomic context (GRCh38, chr12:102,851,689, plus strand): 5'-ATTTGAGAAATTCAGGTCACAGACCTATAACTAGAAGGCTAAAAAATCCATTCCTTACCT[G>T]GGAAAACTGGGCAAAGCTGCGATCTGAAAACAAGGGCACATGTCCCAACAGCTCATGGCA-3'
Protein context (NP_000268.1, residues 294-314): FSDRSFAQFS[Gln304Lys]EIGLASLGAP

ClinVar aggregate classification (germline): Likely pathogenic (3 of 4 stars; one submission).

Conditions:
Phenylketonuria (PKU). Also called: Phenylketonuria (PKU); OLIGOPHRENIA PHENYLPYRUVICA; FOLLING DISEASE; Phenylketonurias. Identifiers: Orphanet 716, MedGen C0031485, MONDO:0009861, OMIM 261600. Disease mechanism: loss of function.

Submission:

ClinGen PAH Variant Curation Expert Panel
Classification: Likely pathogenic for Phenylketonuria. Last evaluated: 2019-12-09. Review status: reviewed by expert panel. Criteria: ClinGen PAH ACMG Specifications v1. Collection method: curation. Allele origin: germline. Inheritance: Autosomal recessive inheritance.
Comment: The c.910C>A (p.Gln304Lys) variant in PAH has been reported in at least one individual with PKU (BH4 deficiency ruled out) (PMID: 29499199, 26503515, 30050108) in trans with pathogenic variant p.R261*. The p.Gln304Lys variant is absent from gnomAD and the ESP population databases. A deleterious effect is predicted in SIFT, Polyphen-2, MutationTaster, and REVEL=0.973. Another missense change at the same codon has been reported (p.Gln304Arg), however with unknown pathogenicity. Overall, the c.910C>A variant is classified as likely pathogenic. PAH-specific ACMG/AMP criteria applied: PP3, PM2, PM3, PP4_moderate.

Literature cited by the submitters: PubMed 29499199.